The following is an entry in ClinVar:

NM_001164508.2(NEB):c.24395_24398dup (p.Leu8133fs)

Genes: NEB (nebulin; minus strand), RIF1 (replication timing regulatory factor 1; plus strand). Cytogenetic location: 2q23.3.
Variant type: Duplication.
Coding change: c.24395_24398dup on transcript NM_001164508.2 (MANE Select); coding-DNA positions 24395 to 24398, 4 bases duplicated (TGTT; older notation c.24395_24398dupTGTT).
Protein change: p.Leu8133fs; shifts the reading frame from leucine 8133.
Molecular consequence: frameshift variant.
Genome position (GRCh38, 1-based): chr2:151,496,364-151,496,367, AACA duplicated on the plus strand (TGTT on the coding strand, the reverse complement: NEB is on the minus strand). VCF-style (leftmost placement, unchanged base first): chr2-151496363-T-TAACA. GRCh37 (hg19) VCF-style: chr2-152352877-T-TAACA.
Other names: c.24500_24503dupTGTT (NM_001271208.2, NM_001271208.1); c.24395_24398dup, p.Leu8133fs (NM_001164507.2); c.24500_24503dup, p.Leu8168fs (NM_001271208.2); c.18827_18830dup, p.Leu6277fs (NM_004543.5); short protein forms L8133fs, L6277fs, L8168fs.
Identifiers: ClinVar variation 533980 (VCV000533980.21), dbSNP rs762133567, ClinGen allele CA57667687.
Genomic context (GRCh38, chr2:151,496,363, plus strand): 5'-GACTCGCTCCATCTCGGGAGTGACAGCTAAAGGAGTTCCCTTGCCCATGTTTTCTTTGTA[T>TAACA]AACACCTGTGCGATGAGAAAGCATCCAGAAAAACAACCATGAGTAACATTTCATTTGTTG-3'

ClinVar aggregate classification (germline): Pathogenic/Likely pathogenic. Review status: criteria provided, multiple submitters, no conflicts (2 of 4 stars). 7 submissions from 7 submitters: Pathogenic (6); Likely pathogenic (1). Last evaluated 2026-05-04.

Conditions:
Arthrogryposis multiplex congenita 6. Identifiers: MedGen C5543431, MONDO:0030281, OMIM 619334.
Nemaline myopathy 2 (NEM2). Also called: Nemaline myopathy 2, autosomal recessive. Identifiers: MedGen C1850569, MONDO:0009725, OMIM 256030.

Allele frequency attached by ClinVar (database versions not stated): ESP Exome Variant Server 0.00017; gnomAD exomes 0.00001; TOPMed 0.00001.

Submissions (7):

GeneDx
Classification: Likely pathogenic. Last evaluated: 2026-05-04. Review status: criteria provided, single submitter. Criteria: GeneDx Variant Classification Process June 2021. Collection method: clinical testing. Allele origin: germline.
Comment: Reported phase unknown with a second NEB variant in patients with nemaline myopathy in published literature (PMID: 25205138, 40661861); Frameshift variant predicted to result in protein truncation or nonsense mediated decay in a gene for which loss of function is a known mechanism of disease; Not observed at significant frequency in large population cohorts (gnomAD); This variant is associated with the following publications: (PMID: 40661861, 25205138)

Natera, Inc.
Classification: Pathogenic for Nemaline myopathy type 2. Last evaluated: 2026-01-29. Review status: criteria provided, single submitter. Criteria: Natera Variant Classification Schema (03/2026). Collection method: clinical testing. Allele origin: germline.
Comment: The c.24500_24503dupTGTT variant in NEB is a frameshift variant predicted to shift the reading frame beginning at codon 8168 and leads to a stop codon 30 codons downstream. This variant is expected to result in nonsense mediated decay, truncation, or a dysfunctional protein product. This variant is rare in the general population with a frequency below the threshold expected for the associated phenotype(s). This variant has been observed in one or more individuals affected with the associated recessive disease, as either homozygous or compound heterozygous with a second variant (PMID: 40661861, 25205138). Given the available evidence, this variant is classified as Pathogenic.

Labcorp Genetics (formerly Invitae), Labcorp
Classification: Pathogenic for Nemaline myopathy 2. Last evaluated: 2025-05-04. Review status: criteria provided, single submitter. Criteria: Invitae Variant Classification Sherloc (09022015). Collection method: clinical testing. Allele origin: germline.
Comment: This sequence change creates a premature translational stop signal (p.Leu8168Phefs*30) in the NEB gene. It is expected to result in an absent or disrupted protein product. Loss-of-function variants in NEB are known to be pathogenic (PMID: 25205138). This variant is present in population databases (no rsID available, gnomAD 0.003%). This premature translational stop signal has been observed in individuals with nemaline myopathy (PMID: 21520333, 25205138; internal data). ClinVar contains an entry for this variant (Variation ID: 533980). Algorithms developed to predict the effect of sequence changes on RNA splicing suggest that this variant may disrupt the consensus splice site. For these reasons, this variant has been classified as Pathogenic.

3billion
Classification: Pathogenic for Nemaline myopathy 2. Last evaluated: 2024-09-12. Review status: criteria provided, single submitter. Criteria: ACMG Guidelines, 2015. Collection method: clinical testing. Allele origin: germline. Affected: yes.
Comment: The variant is observed at an extremely low frequency in the gnomAD v4.0.0 dataset (total allele frequency: <0.001%). Predicted Consequence/Location: Frameshift: predicted to result in a loss or disruption of normal protein function through nonsense-mediated decay (NMD) or protein truncation. Multiple pathogenic variants are reported downstream of the variant. The variant has been reported at least twice as pathogenic without evidence for the classification (ClinVar ID: VCV000533980 /PMID: 25205138). Therefore, this variant is classified as Pathogenic according to the recommendation of ACMG/AMP guideline.

Fulgent Genetics
Classification: Pathogenic for Nemaline myopathy 2; Arthrogryposis multiplex congenita 6. Last evaluated: 2024-05-04. Review status: criteria provided, single submitter. Criteria: ACMG Guidelines, 2015. Collection method: clinical testing. Allele origin: germline.

Baylor Genetics
Classification: Pathogenic for Arthrogryposis multiplex congenita 6. Last evaluated: 2024-02-22. Review status: criteria provided, single submitter. Criteria: ACMG Guidelines, 2015. Collection method: clinical testing. Allele origin: unknown.

Athena Diagnostics
Classification: Pathogenic. Last evaluated: 2018-03-26. Review status: criteria provided, single submitter. Criteria: Athena Diagnostics Criteria. Collection method: clinical testing. Allele origin: germline.

Literature cited by the submitters: PubMed 40661861 (cited by Natera, Inc.); PubMed 25205138 (cited by 4 submitters); PubMed 21520333 (cited by Labcorp Genetics (formerly Invitae), Labcorp).